The following is an entry in ClinVar:

ClinVar aggregate classification (germline): Uncertain significance (1 of 4 stars; one submission).

Conditions:
Propionic acidemia (PROP). Also called: GLYCINEMIA, KETOTIC; HYPERGLYCINEMIA WITH KETOACIDOSIS AND LEUKOPENIA; KETOTIC HYPERGLYCINEMIA. Identifiers: Orphanet 35, MedGen C0268579, MONDO:0011628, OMIM 606054, HP:0003571.

Submission:

Labcorp Genetics (formerly Invitae), Labcorp
Classification: Uncertain significance for Propionic acidemia. Last evaluated: 2024-02-19. Review status: criteria provided, single submitter. Criteria: Invitae Variant Classification Sherloc (09022015). Collection method: clinical testing. Allele origin: germline.
Comment: This sequence change replaces valine, which is neutral and non-polar, with phenylalanine, which is neutral and non-polar, at codon 378 of the PCCB protein (p.Val378Phe). This variant is not present in population databases (gnomAD no frequency). This missense change has been observed in individual(s) with clinical features of PCCB-related conditions (Invitae). ClinVar contains an entry for this variant (Variation ID: 859270). Advanced modeling of protein sequence and biophysical properties (such as structural, functional, and spatial information, amino acid conservation, physicochemical variation, residue mobility, and thermodynamic stability) performed at Invitae indicates that this missense variant is expected to disrupt PCCB protein function with a positive predictive value of 95%. In summary, the available evidence is currently insufficient to determine the role of this variant in disease. Therefore, it has been classified as a Variant of Uncertain Significance.

NM_000532.5(PCCB):c.1132G>T (p.Val378Phe)

Gene: PCCB (propionyl-CoA carboxylase subunit beta; plus strand). Cytogenetic location: 3q22.3.
Variant type: single nucleotide variant.
Coding change: c.1132G>T on transcript NM_000532.5 (MANE Select); coding-DNA position 1132, G replaced by T.
Protein change: p.Val378Phe; replaces valine 378 with phenylalanine.
Molecular consequence: missense variant.
Genome position (GRCh38, 1-based): chr3:136,326,844, G>T. VCF-style: chr3-136326844-G-T. GRCh37 (hg19) VCF-style: chr3-136045686-G-T.
Other names: c.1192G>T, p.Val398Phe (NM_001178014.2); short protein forms V378F, V398F.
Identifiers: ClinVar variation 859270 (VCV000859270.9), dbSNP rs761529521, ClinGen allele CA354648553.
Genomic context (GRCh38, chr3:136,326,844, plus strand): 5'-ATAATCTCTCTCTTTCTAGGATGCTTGGATATTAATTCATCTGTGAAAGGGGCTCGTTTT[G>T]TCAGATTCTGTGATGCATTCAATATTCCACTCATCACTTTTGTTGATGTCCCTGGCTTTC-3'
Protein context (NP_000523.2, residues 368-388): INSSVKGARF[Val378Phe]RFCDAFNIPL